The following is an entry in ClinVar:

ClinVar aggregate classification (germline): Likely pathogenic (0 of 4 stars; one submission).

Conditions:
Autosomal recessive nonsyndromic hearing loss 23. Identifiers: Orphanet 90636, MedGen C1836027, MONDO:0012293, OMIM 609533.

Submission:

Wonkam Laboratory, Johns Hopkins University
Classification: Likely pathogenic for Autosomal recessive nonsyndromic hearing loss 23. Last evaluated: 2024-01-06. Review status: no assertion criteria provided. Collection method: research. Allele origin: unknown. Inheritance: Autosomal recessive inheritance. Affected: yes. Observed: 2 variant alleles.
Comment: The variant NM_001142767.1 c.4377C>A is located in a mutational hot spot and/or critical and well-established functional domain (PM1), Absent from controls (or at extremely low frequency if recessive) in gnomAdv4.1.0 (PM2) (PM2), Cosegregation with disease in multiple affected family members in a gene definitively known to cause the disease (PP1), Patient's phenotype or family history is highly specific for a disease with a single genetic etiology (PP4)

NM_033056.4(PCDH15):c.4497C>A (p.Asp1499Glu)

Gene: PCDH15 (protocadherin related 15; minus strand). Cytogenetic location: 10q21.1.
Variant type: single nucleotide variant.
Coding change: c.4497C>A on transcript NM_033056.4 (MANE Plus Clinical); coding-DNA position 4497, C replaced by A.
Protein change: p.Asp1499Glu; replaces aspartic acid 1499 with glutamic acid.
Molecular consequence: missense variant. On other transcripts: intron variant (8).
Genome position (GRCh38, 1-based): chr10:53,823,229, G>T on the plus strand (C>A on the coding strand, the complement: PCDH15 is on the minus strand). VCF-style: chr10-53823229-G-T. GRCh37 (hg19) VCF-style: chr10-55582989-G-T.
Other names: c.4377C>A, p.Asp1459Glu (NM_001142767.2); c.4437C>A, p.Asp1479Glu (NM_001142768.2); c.4428C>A, p.Asp1476Glu (NM_001142773.2); c.4431C>A, p.Asp1477Glu (NM_001354404.2); c.4367+4164C>A (NM_001354420.2, NM_001354429.2); c.4368-2999C>A (NM_001384140.1); c.4373+1907C>A (NM_001142772.2, NM_001142770.3); c.4388+1907C>A (NM_001142771.2); and 6 more; short protein forms D1430E, D1459E, D1476E, D1477E, D1479E, D1496E, D1499E, D1501E.
Identifiers: ClinVar variation 3383953 (VCV003383953.1).
Genomic context (GRCh38, chr10:53,823,229, plus strand): 5'-CTCATCAGATAGAAATGTGAATTTTCTTGCAGACTTCAGTTTGTTGCTCTTAAGTGATCC[G>T]TCTACATGAGCTGACTTGTGAGCCTCAATAGTATTGGAAGAAAAGGGCATCACAACTTGT-3'
Protein context (NP_149045.3, residues 1489-1509): TIEAHKSAHV[Asp1499Glu]GSLKSNKLKS